The following is an entry in ClinVar:

ClinVar aggregate classification (germline): Uncertain significance (1 of 4 stars; one submission).

Submission:

Labcorp Genetics (formerly Invitae), Labcorp
Classification: Uncertain significance. Last evaluated: 2022-08-07. Review status: criteria provided, single submitter. Criteria: Invitae Variant Classification Sherloc (09022015). Collection method: clinical testing. Allele origin: germline.
Comment: In summary, the available evidence is currently insufficient to determine the role of this variant in disease. Therefore, it has been classified as a Variant of Uncertain Significance. Advanced modeling of protein sequence and biophysical properties (such as structural, functional, and spatial information, amino acid conservation, physicochemical variation, residue mobility, and thermodynamic stability) performed at Invitae indicates that this missense variant is expected to disrupt CACNA1B protein function. This variant has not been reported in the literature in individuals affected with CACNA1B-related conditions. This variant is not present in population databases (gnomAD no frequency). This sequence change replaces threonine, which is neutral and polar, with serine, which is neutral and polar, at codon 1246 of the CACNA1B protein (p.Thr1246Ser).

NM_000718.4(CACNA1B):c.3737C>G (p.Thr1246Ser)

Gene: CACNA1B (calcium voltage-gated channel subunit alpha1 B; plus strand). Cytogenetic location: 9q34.3.
Variant type: single nucleotide variant.
Coding change: c.3737C>G on transcript NM_000718.4 (MANE Select); coding-DNA position 3737, C replaced by G.
Protein change: p.Thr1246Ser; replaces threonine 1246 with serine.
Molecular consequence: missense variant.
Genome position (GRCh38, 1-based): chr9:138,052,118, C>G. VCF-style: chr9-138052118-C-G. GRCh37 (hg19) VCF-style: chr9-140946570-C-G.
Other names: c.3737C>G, p.Thr1246Ser (NM_001243812.2); short protein forms T1246S.
Identifiers: ClinVar variation 1715512 (VCV001715512.5), dbSNP rs2539442648, ClinGen allele CA375812554.